The following is an entry in ClinVar:

ClinVar aggregate classification (germline): Uncertain significance (1 of 4 stars; one submission).

Submission:

CeGaT Center for Human Genetics Tuebingen
Classification: Uncertain significance. Last evaluated: 2022-07-01. Review status: criteria provided, single submitter. Criteria: CeGaT Center For Human Genetics Tuebingen Variant Classification Criteria Version 2. Collection method: clinical testing. Allele origin: germline. Affected: yes. Observed: 1 variant allele.
Comment: CUX1: PM2, PP3

NM_181552.4(CUX1):c.2960C>T (p.Pro987Leu)

Gene: CUX1 (cut like homeobox 1; plus strand). Cytogenetic location: 7q22.1.
Variant type: single nucleotide variant.
Coding change: c.2960C>T on transcript NM_181552.4 (MANE Select); coding-DNA position 2960, C replaced by T.
Protein change: p.Pro987Leu; replaces proline 987 with leucine.
Molecular consequence: missense variant. On other transcripts: intron variant (5).
Genome position (GRCh38, 1-based): chr7:102,204,443, C>T. VCF-style: chr7-102204443-C-T. GRCh37 (hg19) VCF-style: chr7-101847723-C-T.
Other names: c.2993C>T, p.Pro998Leu (NM_001202543.2); c.1255+8840C>T (NM_001913.5); c.1249+8840C>T (NM_181500.4); c.1117+8840C>T (NM_001202545.3); c.1207+8840C>T (NM_001202544.3); c.1138+8840C>T (NM_001202546.3); short protein forms P987L, P998L.
Identifiers: ClinVar variation 2657870 (VCV002657870.24), dbSNP rs2485519528, ClinGen allele CA368687100.